The following is an entry in ClinVar:

NM_003737.4(DCHS1):c.5503C>T (p.Leu1835Phe)

Gene: DCHS1 (dachsous cadherin-related 1; minus strand). Cytogenetic location: 11p15.4.
Variant type: single nucleotide variant.
Coding change: c.5503C>T on transcript NM_003737.4 (MANE Select); coding-DNA position 5503, C replaced by T.
Protein change: p.Leu1835Phe; replaces leucine 1835 with phenylalanine.
Molecular consequence: missense variant.
Genome position (GRCh38, 1-based): chr11:6,627,536, G>A on the plus strand (C>T on the coding strand, the complement: DCHS1 is on the minus strand). VCF-style: chr11-6627536-G-A. GRCh37 (hg19) VCF-style: chr11-6648767-G-A.
Other names: short protein forms L1835F.
Identifiers: ClinVar variation 746662 (VCV000746662.45), dbSNP rs148791938, ClinGen allele CA5860080.

ClinVar aggregate classification (germline): Conflicting classifications of pathogenicity. Review status: criteria provided, conflicting classifications (1 of 4 stars). 4 submissions from 4 submitters: Uncertain significance (1); Likely benign (3). Last evaluated 2025-12-30.

Conditions:
DCHS1-related disorder. Also called: DCHS1-related condition.

Allele frequency attached by ClinVar (database versions not stated): 1000 Genomes Project 30x 0.00016; 1000 Genomes Project 0.00020; ESP Exome Variant Server 0.00054; TOPMed 0.00054; ExAC 0.00077; gnomAD exomes 0.00078 and 0.00084; gnomAD 0.00104 and 0.00109.
gnomAD v4.1: 1,379 of 1,612,724 alleles (0.086%); highest among the groups gnomAD compares: Non-Finnish European, 0.096%; 4 homozygotes.

Submissions (4):

Labcorp Genetics (formerly Invitae), Labcorp
Classification: Likely benign. Last evaluated: 2025-12-30. Review status: criteria provided, single submitter. Criteria: Invitae Variant Classification Sherloc (09022015). Collection method: clinical testing. Allele origin: germline.

PreventionGenetics, part of Exact Sciences
Classification: Likely benign for DCHS1-related condition. Last evaluated: 2025-07-22. Review status: criteria provided, single submitter. Criteria: ACMG Guidelines, 2015. Collection method: clinical testing. Allele origin: germline.
Comment: This variant is classified as likely benign based on ACMG/AMP sequence variant interpretation guidelines (Richards et al. 2015 PMID: 25741868, with internal and published modifications).

CeGaT Center for Human Genetics Tuebingen
Classification: Likely benign. Last evaluated: 2024-06-01. Review status: criteria provided, single submitter. Criteria: CeGaT Center For Human Genetics Tuebingen Variant Classification Criteria Version 2. Collection method: clinical testing. Allele origin: germline. Affected: yes. Observed: 3 variant alleles.
Comment: DCHS1: BP4

GeneDx
Classification: Uncertain significance. Last evaluated: 2019-09-24. Review status: criteria provided, single submitter. Criteria: GeneDx Variant Classification Process June 2021. Collection method: clinical testing. Allele origin: germline. Affected: yes.
Comment: Has not been previously published as pathogenic or benign to our knowledge; In silico analysis, which includes protein predictors and evolutionary conservation, supports that this variant does not alter protein structure/function